The following is an entry in ClinVar:

ClinVar aggregate classification (germline): Conflicting classifications of pathogenicity. Review status: criteria provided, conflicting classifications (1 of 4 stars). 5 submissions from 5 submitters: Likely pathogenic (3); Uncertain significance (2). Last evaluated 2026-02-18.

Conditions:
Inborn genetic diseases. Identifiers: MedGen C0950123, MeSH D030342.
Muscular dystrophy-dystroglycanopathy (congenital with brain and eye anomalies), type A14. Also called: WALKER-WARBURG SYNDROME OR MUSCLE-EYE-BRAIN DISEASE, GMPPB-RELATED; Muscular dystrophy-dystroglycanopathy (congenital with brain and eye anomalies), type a, 14; Congenital Muscular Dystrophy-Dystroglycanopathy with Brain and Eye Anomalies Type A 14; Congenital muscular dystrophy-dystroglycanopathy with brain and eye anomalies, type A14. Identifiers: Orphanet 588, MedGen C3809216, MONDO:0014140, OMIM 615350.
Muscular dystrophy-dystroglycanopathy (congenital with impaired intellectual development), type B, 14. Also called: Muscular dystrophy-dystroglycanopathy (congenital with intellectual disability), type B14; MUSCULAR DYSTROPHY, CONGENITAL, GMPPB-RELATED; Congenital muscular dystrophy-dystroglycanopathy with mental retardation, type B14. Identifiers: MedGen C3809221, MONDO:0014141, OMIM 615351.
Autosomal recessive limb-girdle muscular dystrophy type 2T. Also called: MUSCULAR DYSTROPHY-DYSTROGLYCANOPATHY, LIMB-GIRDLE, GMPPB-RELATED; MUSCULAR DYSTROPHY, LIMB-GIRDLE, TYPE 2T; Muscular dystrophy-dystroglycanopathy (limb-girdle), type c, 14; Limb-girdle muscular dystrophy-dystroglycanopathy, type C14. Identifiers: Orphanet 363623, MedGen C4518000, MONDO:0014142, OMIM 615352.

Allele frequency attached by ClinVar (database versions not stated): gnomAD exomes 0.00002; ExAC 0.00003; ESP Exome Variant Server 0.00008; gnomAD 0.00002; TOPMed 0.00003.

Submissions (5):

Ambry Genetics
Classification: Likely pathogenic for Inborn genetic diseases. Last evaluated: 2026-02-18. Review status: criteria provided, single submitter. Criteria: Ambry Variant Classification Scheme 2023. Collection method: clinical testing. Allele origin: germline.
Comment: The c.931C>T (p.R311C) alteration is located in exon 8 (coding exon 8) of the GMPPB gene. This alteration results from a C to T substitution at nucleotide position 931, causing the arginine (R) at amino acid position 311 to be replaced by a cysteine (C). Based on data from gnomAD, the T allele has an overall frequency of 0.002% (6/281768) total alleles studied. The highest observed frequency was 0.0039% (5/128308) of European (non-Finnish) alleles. This variant has been identified in the homozygous state and/or in conjunction with other GMPPB variant(s) in individual(s) with features consistent with GMPPB-related dystroglycanopathies; in at least one instance, the variants were identified in trans (Gonzalez-Perez, 2020; Di Patria, 2022; external communication). This amino acid position is poorly conserved in available vertebrate species. The in silico prediction for this alteration is inconclusive. Based on the available evidence, this alteration is classified as likely pathogenic.

GeneDx
Classification: Likely pathogenic. Last evaluated: 2025-12-21. Review status: criteria provided, single submitter. Criteria: GeneDx Variant Classification Process June 2021. Collection method: clinical testing. Allele origin: germline. Affected: yes.
Comment: Reported along with a second variant in the GMPPB gene in a patient with alpha-dystroglycanopathy in the published literature; however, segregation information was not provided (PMID: 32115343); Not observed at significant frequency in large population cohorts (gnomAD); In silico analysis supports that this missense variant has a deleterious effect on protein structure/function; This variant is associated with the following publications: (PMID: 37432431, 32115343)

Labcorp Genetics (formerly Invitae), Labcorp
Classification: Uncertain significance for Autosomal recessive limb-girdle muscular dystrophy type 2T; Muscular dystrophy-dystroglycanopathy (congenital with brain and eye anomalies), type A14; Muscular dystrophy-dystroglycanopathy (congenital with impaired intellectual development), type B, 14. Last evaluated: 2023-08-17. Review status: criteria provided, single submitter. Criteria: Invitae Variant Classification Sherloc (09022015). Collection method: clinical testing. Allele origin: germline.
Comment: In summary, the available evidence is currently insufficient to determine the role of this variant in disease. Therefore, it has been classified as a Variant of Uncertain Significance. Advanced modeling of protein sequence and biophysical properties (such as structural, functional, and spatial information, amino acid conservation, physicochemical variation, residue mobility, and thermodynamic stability) performed at Invitae indicates that this missense variant is not expected to disrupt GMPPB protein function. ClinVar contains an entry for this variant (Variation ID: 451704). This missense change has been observed in individual(s) with clinical features of muscular dystrophy-dystroglycanopathy (PMID: 32115343; Invitae). In at least one individual the data is consistent with being in trans (on the opposite chromosome) from a pathogenic variant. It has also been observed to segregate with disease in related individuals. This variant is present in population databases (rs371188899, gnomAD 0.005%). This sequence change replaces arginine, which is basic and polar, with cysteine, which is neutral and slightly polar, at codon 311 of the GMPPB protein (p.Arg311Cys).

Revvity Omics, Revvity
Classification: Likely pathogenic. Last evaluated: 2022-03-15. Review status: criteria provided, single submitter. Criteria: ACMG Guidelines, 2015. Collection method: clinical testing. Allele origin: germline.

Athena Diagnostics
Classification: Uncertain significance. Last evaluated: 2021-05-26. Review status: criteria provided, single submitter. Criteria: Athena Diagnostics Criteria. Collection method: clinical testing. Allele origin: unknown.
Comment: This observation is not an independent occurrence and has been identified in the same individual by RCIGM, the other laboratory participating in the GEMINI study.

Literature cited by the submitters: PubMed 32115343 (cited by Ambry Genetics and Labcorp Genetics (formerly Invitae), Labcorp); PubMed 35211808 (cited by Ambry Genetics).

NM_021971.4(GMPPB):c.931C>T (p.Arg311Cys)

Gene: GMPPB (GDP-mannose pyrophosphorylase B; minus strand). Cytogenetic location: 3p21.31.
Variant type: single nucleotide variant.
Coding change: c.931C>T on transcript NM_021971.4 (MANE Select); coding-DNA position 931, C replaced by T.
Protein change: p.Arg311Cys; replaces arginine 311 with cysteine.
Molecular consequence: missense variant.
Genome position (GRCh38, 1-based): chr3:49,721,985, G>A on the plus strand (C>T on the coding strand, the complement: GMPPB is on the minus strand). VCF-style: chr3-49721985-G-A. GRCh37 (hg19) VCF-style: chr3-49759418-G-A.
Other names: c.931C>T, p.Arg311Cys (NM_013334.4); short protein forms R311C.
Identifiers: ClinVar variation 451704 (VCV000451704.18), dbSNP rs371188899, ClinGen allele CA2405407.